The following is an entry in ClinVar:

ClinVar aggregate classification (germline): Uncertain significance (1 of 4 stars; one submission).

gnomAD v4.1: 1 of 1,614,228 alleles (0.000062%); highest among the groups gnomAD compares: Admixed American, 0.0017%; no homozygotes.

Submission:

Quest Diagnostics Nichols Institute San Juan Capistrano
Classification: Uncertain significance. Last evaluated: 2023-04-26. Review status: criteria provided, single submitter. Criteria: Quest Diagnostics criteria. Collection method: clinical testing. Allele origin: unknown.
Comment: The variant has not been reported in the published literature. The frequency of this variant in the general population, 0.000004 (1/251440 chromosomes), is uninformative in assessment of its pathogenicity. Analysis of this variant using bioinformatics tools for the prediction of the effect of amino acid changes on protein structure and function yielded predictions that this variant is benign. Based on the available information, we are unable to determine the clinical significance of this variant.

NM_000135.4(FANCA):c.3157C>G (p.Arg1053Gly)

Gene: FANCA (FA complementation group A; minus strand). Cytogenetic location: 16q24.3.
Variant type: single nucleotide variant.
Coding change: c.3157C>G on transcript NM_000135.4 (MANE Select); coding-DNA position 3157, C replaced by G.
Protein change: p.Arg1053Gly; replaces arginine 1053 with glycine.
Molecular consequence: missense variant.
Genome position (GRCh38, 1-based): chr16:89,749,812, G>C on the plus strand (C>G on the coding strand, the complement: FANCA is on the minus strand). VCF-style: chr16-89749812-G-C. GRCh37 (hg19) VCF-style: chr16-89816220-G-C.
Other names: c.3157C>G, p.Arg1053Gly (NM_001286167.3); short protein forms R1053G.
Identifiers: ClinVar variation 2681901 (VCV002681901.1), dbSNP rs376103033, ClinGen allele CA397486575.